The following is an entry in ClinVar:

NM_030665.4(RAI1):c.2161C>G (p.Pro721Ala)

Gene: RAI1 (retinoic acid induced 1; plus strand). Cytogenetic location: 17p11.2.
Variant type: single nucleotide variant.
Coding change: c.2161C>G on transcript NM_030665.4 (MANE Select); coding-DNA position 2161, C replaced by G.
Protein change: p.Pro721Ala; replaces proline 721 with alanine.
Molecular consequence: missense variant.
Genome position (GRCh38, 1-based): chr17:17,795,109, C>G. VCF-style: chr17-17795109-C-G. GRCh37 (hg19) VCF-style: chr17-17698423-C-G.
Other names: short protein forms P721A.
Identifiers: ClinVar variation 3378168 (VCV003378168.2).

ClinVar aggregate classification (germline): Uncertain significance. Review status: criteria provided, multiple submitters, no conflicts (2 of 4 stars). 2 submissions from 2 submitters: Uncertain significance (2). Last evaluated 2026-09-09.

Conditions:
RAI1-related disorder. Also called: RAI1-related condition.

Submissions (2):

PreventionGenetics, part of Exact Sciences
Classification: Uncertain significance for RAI1-related condition. Last evaluated: 2026-09-09. Review status: criteria provided, single submitter. Criteria: ACMG Guidelines, 2015. Collection method: clinical testing. Allele origin: germline.
Comment: The RAI1 c.2161C>G variant is predicted to result in the amino acid substitution p.Pro721Ala. To our knowledge, this variant has not been reported in the literature or in a large population database (gnomAD), indicating this variant is rare. At this time, the clinical significance of this variant is uncertain due to the absence of conclusive functional and genetic evidence.

GeneDx
Classification: Uncertain significance. Last evaluated: 2024-05-18. Review status: criteria provided, single submitter. Criteria: GeneDx Variant Classification Process June 2021. Collection method: clinical testing. Allele origin: germline. Affected: yes.
Comment: Not observed at significant frequency in large population cohorts (gnomAD); In silico analysis supports that this missense variant has a deleterious effect on protein structure/function; Has not been previously published as pathogenic or benign to our knowledge